The following is an entry in ClinVar:

NM_000093.5(COL5A1):c.1774-7C>A

Gene: COL5A1 (collagen type V alpha 1 chain; plus strand). Cytogenetic location: 9q34.3.
Variant type: single nucleotide variant.
Coding change: c.1774-7C>A on transcript NM_000093.5 (MANE Select); 7 bases into the intron before coding-DNA position 1774, C replaced by A.
Molecular consequence: intron variant.
Genome position (GRCh38, 1-based): chr9:134,754,266, C>A. VCF-style: chr9-134754266-C-A. GRCh37 (hg19) VCF-style: chr9-137646112-C-A.
Other names: p.?; c.1774-7C>A (NM_001278074.1).
Identifiers: ClinVar variation 377721 (VCV000377721.18), dbSNP rs371941850, ClinGen allele CA5318972.
Genomic context (GRCh38, chr9:134,754,266, plus strand): 5'-AAGGCTTTGCTCTTTCTCCTGAGAAAGGCGGACTCGCCACTGACCCTTTGTCTCTTACCC[C>A]TGGCAGGGTCCTCGAGGTGTGCAAGGCCCGCCTGGTCCGGCCGGGAAGCCCGGAAGACGG-3'

ClinVar aggregate classification (germline): Benign/Likely benign. Review status: criteria provided, multiple submitters, no conflicts (2 of 4 stars). 7 submissions from 6 submitters: Benign (4); Likely benign (2). 1 of the submissions does not count toward it. Last evaluated 2026-02-04.

Conditions:
Fibromuscular dysplasia, multifocal. Identifiers: MedGen C5543412, MONDO:0859151, OMIM 619329.
COL5A1-related disorder. Also called: COL5A1-related condition.
Ehlers-Danlos syndrome, classic type, 1 (EDSCL1). Also called: EHLERS-DANLOS SYNDROME, GRAVIS TYPE; EHLERS-DANLOS SYNDROME, SEVERE CLASSIC TYPE; Ehlers-Danlos Syndrome, Classic Type, COL5A1-Related; EDS I; Ehlers-Danlos syndrome, type 1. Identifiers: MedGen C0268335, MONDO:0019567, OMIM 130000.

Allele frequency attached by ClinVar (database versions not stated): gnomAD exomes 0.00006 and 0.00003; 1000 Genomes Project 0.00020; gnomAD 0.00021; TOPMed 0.00027; ExAC 0.00006; ESP Exome Variant Server 0.00015; 1000 Genomes Project 30x 0.00016.
gnomAD v4.1: 76 of 1,613,786 alleles (0.0047%); highest among the groups gnomAD compares: African/African-American, 0.071%; 1 homozygote.

Submissions (7):

Labcorp Genetics (formerly Invitae), Labcorp
Classification: Likely benign for Ehlers-Danlos syndrome, classic type, 1. Last evaluated: 2026-02-04. Review status: criteria provided, single submitter. Criteria: Invitae Variant Classification Sherloc (09022015). Collection method: clinical testing. Allele origin: germline.

Mayo Clinic Laboratories, Mayo Clinic
Classification: Likely benign. Last evaluated: 2025-05-14. Review status: criteria provided, single submitter. Criteria: ACMG Guidelines, 2015. Collection method: clinical testing. Allele origin: germline. Observed: 1 variant allele.
Comment: BS1, BP4, BP7

Women's Health and Genetics/Laboratory Corporation of America, LabCorp
Classification: Benign. Last evaluated: 2024-06-24. Review status: criteria provided, single submitter. Criteria: LabCorp Variant Classification Summary - May 2015. Collection method: clinical testing. Allele origin: germline.

Genome-Nilou Lab
Classification: Benign for Ehlers-Danlos syndrome, classic type, 1. Last evaluated: 2022-03-15. Review status: criteria provided, single submitter. Criteria: ACMG Guidelines, 2015. Collection method: clinical testing. Allele origin: germline. Affected: no.

Genome-Nilou Lab
Classification: Benign for Fibromuscular dysplasia, multifocal. Last evaluated: 2022-03-15. Review status: criteria provided, single submitter. Criteria: ACMG Guidelines, 2015. Collection method: clinical testing. Allele origin: germline. Affected: no.

GeneDx
Classification: Benign. Last evaluated: 2016-01-11. Review status: criteria provided, single submitter. Criteria: GeneDx Variant Classification (06012015). Collection method: clinical testing. Allele origin: germline. Affected: yes.
Comment: This variant is considered likely benign or benign based on one or more of the following criteria: it is a conservative change, it occurs at a poorly conserved position in the protein, it is predicted to be benign by multiple in silico algorithms, and/or has population frequency not consistent with disease.

PreventionGenetics, part of Exact Sciences
Classification: Likely benign for COL5A1-related condition. Last evaluated: 2021-01-20. Review status: no assertion criteria provided. Collection method: clinical testing. Allele origin: germline. Not counted in ClinVar's aggregate classification.
Comment: This variant is classified as likely benign based on ACMG/AMP sequence variant interpretation guidelines (Richards et al. 2015 PMID: 25741868, with internal and published modifications).